The following is an entry in ClinVar:

ClinVar aggregate classification (germline): Uncertain significance. Review status: criteria provided, multiple submitters, no conflicts (2 of 4 stars). 2 submissions from 2 submitters: Uncertain significance (2). Last evaluated 2025-10-01.

Conditions:
Action myoclonus-renal failure syndrome. Also called: MYOCLONUS-NEPHROPATHY SYNDROME; EPILEPSY, PROGRESSIVE MYOCLONIC, 4, WITH RENAL FAILURE; EPILEPSY, PROGRESSIVE MYOCLONIC, 4, WITHOUT RENAL FAILURE; SCARB2-Related Action Myoclonus-Renal Failure Syndrome. Identifiers: Orphanet 163696, MedGen C0751779, MeSH D020191, MONDO:0009699, OMIM 254900.
Progressive myoclonic epilepsy. Also called: Familial progressive myoclonic epilepsy; Progressive myoclonus epilepsy; Myoclonic Epilepsies, Progressive; Myoclonus epilepsy. Identifiers: Orphanet 308, Orphanet 98261, MedGen C0751778, MONDO:0020074.

Allele frequency attached by ClinVar (database versions not stated): TOPMed below 0.00001; gnomAD 0.00001; ExAC 0.00002; gnomAD exomes 0.00002 and 0.00003.
gnomAD v4.1: 26 of 1,614,008 alleles (0.0016%); highest among the groups gnomAD compares: Admixed American, 0.0067%; no homozygotes.

Submissions (2):

Labcorp Genetics (formerly Invitae), Labcorp
Classification: Uncertain significance for Progressive myoclonic epilepsy. Last evaluated: 2025-10-01. Review status: criteria provided, single submitter. Criteria: Invitae Variant Classification Sherloc (09022015). Collection method: clinical testing. Allele origin: germline.
Comment: This sequence change replaces alanine, which is neutral and non-polar, with valine, which is neutral and non-polar, at codon 444 of the SCARB2 protein (p.Ala444Val). This variant is present in population databases (rs773957659, gnomAD 0.01%). This variant has not been reported in the literature in individuals affected with SCARB2-related conditions. ClinVar contains an entry for this variant (Variation ID: 943859). Invitae Evidence Modeling of protein sequence and biophysical properties (such as structural, functional, and spatial information, amino acid conservation, physicochemical variation, residue mobility, and thermodynamic stability) indicates that this missense variant is not expected to disrupt SCARB2 protein function with a negative predictive value of 80%. In summary, the available evidence is currently insufficient to determine the role of this variant in disease. Therefore, it has been classified as a Variant of Uncertain Significance.

Fulgent Genetics
Classification: Uncertain significance for Action myoclonus-renal failure syndrome. Last evaluated: 2021-11-29. Review status: criteria provided, single submitter. Criteria: ACMG Guidelines, 2015. Collection method: clinical testing. Allele origin: unknown.

NM_005506.4(SCARB2):c.1331C>T (p.Ala444Val)

Gene: SCARB2 (scavenger receptor class B member 2; minus strand). Cytogenetic location: 4q21.1.
Variant type: single nucleotide variant.
Coding change: c.1331C>T on transcript NM_005506.4 (MANE Select); coding-DNA position 1331, C replaced by T.
Protein change: p.Ala444Val; replaces alanine 444 with valine.
Molecular consequence: missense variant.
Genome position (GRCh38, 1-based): chr4:76,163,292, G>A on the plus strand (C>T on the coding strand, the complement: SCARB2 is on the minus strand). VCF-style: chr4-76163292-G-A. GRCh37 (hg19) VCF-style: chr4-77084445-G-A.
Other names: c.902C>T, p.Ala301Val (NM_001204255.2); short protein forms A301V, A444V.
Identifiers: ClinVar variation 943859 (VCV000943859.11), dbSNP rs773957659, ClinGen allele CA2970118.
Genomic context (GRCh38, chr4:76,163,292, plus strand): 5'-ATGGATCCCTGTCCTTTGCATGCAAGCCAGGTAAAAACCAAACCAAAGAACACACCCAGC[G>A]CCATGATGATGTAGGGTATGTTGGTGATGATCAAAGTAGTGTTAATCATAGACTTCAGTC-3'
Protein context (NP_005497.1, residues 434-454): IITNIPYIIM[Ala444Val]LGVFFGLVFT